The following is an entry in ClinVar:

ClinVar aggregate classification (germline): Pathogenic (1 of 4 stars; one submission).

Conditions:
Deficiency of alpha-mannosidase (MANSA). Also called: LYSOSOMAL ALPHA-D-MANNOSIDASE DEFICIENCY; Alpha-Mannosidosis; Mannosidosis, alpha-, types I and II. Identifiers: Orphanet 61, MedGen C0024748, MONDO:0009561, OMIM 248500.

Submission:

Myriad Genetics, Inc.
Classification: Pathogenic for Deficiency of alpha-mannosidase. Last evaluated: 2023-09-27. Review status: criteria provided, single submitter. Criteria: Myriad Autosomal Dominant, Autosomal Recessive and X-Linked Classification Criteria (2023). Collection method: clinical testing. Allele origin: unknown.
Comment: NM_000528.3(MAN2B1):c.2569dupC(R857Pfs*74) is expected to be pathogenic in the context of alpha-mannosidosis. This variant is predicted to lead to an abnormal or absent protein product due to the creation of a premature termination codon in MAN2B1, a gene where loss-of-function variants are known to be pathogenic. Please note: this variant was assessed in the context of healthy population screening.

NM_000528.4(MAN2B1):c.2569dup (p.Arg857fs)

Gene: MAN2B1 (mannosidase alpha class 2B member 1; minus strand). Cytogenetic location: 19p13.13.
Variant type: Duplication.
Coding change: c.2569dup on transcript NM_000528.4 (MANE Select); coding-DNA position 2569, one base duplicated (C; older notation c.2569dupC).
Protein change: p.Arg857fs; shifts the reading frame from arginine 857.
Molecular consequence: frameshift variant.
Genome position (GRCh38, 1-based): chr19:12,648,270, G duplicated on the plus strand (C on the coding strand, the reverse complement: MAN2B1 is on the minus strand); the first of 2 consecutive G bases (chr19:12,648,270-12,648,271); duplicating either gives the same sequence. VCF-style (leftmost placement, unchanged base first): chr19-12648269-C-CG. GRCh37 (hg19) VCF-style: chr19-12759083-C-CG.
Other names: c.2566dup, p.Arg856fs (NM_001173498.2); c.2572dup, p.Arg858fs (NM_001440570.1); short protein forms R856fs, R857fs, R858fs.
Identifiers: ClinVar variation 5011959 (VCV005011959.1).